The following is an entry in ClinVar:

NM_000458.4(HNF1B):c.1398_1405dup (p.Leu469fs)

Gene: HNF1B (HNF1 homeobox B; minus strand). Cytogenetic location: 17q12.
Variant type: Duplication.
Coding change: c.1398_1405dup on transcript NM_000458.4 (MANE Select); coding-DNA positions 1398 to 1405, 8 bases duplicated (GGCAGCCC; older notation c.1398_1405dupGGCAGCCC).
Protein change: p.Leu469fs; shifts the reading frame from leucine 469.
Molecular consequence: frameshift variant. On other transcripts: intron variant (1).
Genome position (GRCh38, 1-based): chr17:37,701,112-37,701,119, GGGCTGCC duplicated on the plus strand (GGCAGCCC on the coding strand, the reverse complement: HNF1B is on the minus strand). VCF-style (leftmost placement, unchanged base first): chr17-37701111-A-AGGGCTGCC. GRCh37 (hg19) VCF-style: chr17-36061116-A-AGGGCTGCC.
Other names: c.1320_1327dup, p.Leu443fs (NM_001165923.4); c.1398_1405dup, p.Leu469fs (NM_001411100.1); c.1261+3798_1261+3805dup (NM_001304286.2); short protein forms L443fs, L469fs.
Identifiers: ClinVar variation 5038218 (VCV005038218.1).

ClinVar aggregate classification (germline): Pathogenic (1 of 4 stars; one submission).

Conditions:
Renal cysts and diabetes syndrome (RCAD). Also called: MATURITY-ONSET DIABETES OF THE YOUNG, TYPE 5; Familial hypoplastic, glomerulocystic kidney. Identifiers: Orphanet 93111, MedGen C0431693, MONDO:0007669, OMIM 137920.

Submission:

MVZ Medizinische Genetik Mainz
Classification: Pathogenic for Renal cysts and diabetes syndrome. Last evaluated: 2025-12-22. Review status: criteria provided, single submitter. Criteria: UK Practice Guidelines For Variant Classification V4 01 2020. Collection method: clinical testing. Allele origin: germline. Inheritance: Autosomal dominant inheritance. Affected: yes. Observed: 1 variant allele.
Comment: ACMG Criteria: PVS1,PM2_SUP,PP4